The following is an entry in ClinVar:

ClinVar aggregate classification (germline): Uncertain significance. Review status: criteria provided, single submitter (1 of 4 stars). 2 submissions from 2 submitters: Uncertain significance (1). 1 of the submissions does not count toward it. Last evaluated 2025-08-01.

Conditions:
RASEF-related disorder. Also called: RASEF-related condition.

Allele frequency attached by ClinVar (database versions not stated): 1000 Genomes Project 0.00060; 1000 Genomes Project 30x 0.00062; ESP Exome Variant Server 0.00062; gnomAD 0.00066.
gnomAD v4.1: 1,234 of 1,614,098 alleles (0.076%); highest among the groups gnomAD compares: Admixed American, 0.12%; 1 homozygote.

Submissions (2):

Ambry Genetics
Classification: Uncertain significance. Last evaluated: 2025-08-01. Review status: criteria provided, single submitter. Criteria: Ambry Variant Classification Scheme 2023. Collection method: clinical testing. Allele origin: germline.

PreventionGenetics, part of Exact Sciences
Classification: Likely benign for RASEF-related condition. Last evaluated: 2022-02-23. Review status: no assertion criteria provided. Collection method: clinical testing. Allele origin: germline. Not counted in ClinVar's aggregate classification.
Comment: This variant is classified as likely benign based on ACMG/AMP sequence variant interpretation guidelines (Richards et al. 2015 PMID: 25741868, with internal and published modifications).

NM_152573.4(RASEF):c.1546A>G (p.Arg516Gly)

Gene: RASEF (RAS and EF-hand domain containing; minus strand). Cytogenetic location: 9q21.32.
Variant type: single nucleotide variant.
Coding change: c.1546A>G on transcript NM_152573.4 (MANE Select); coding-DNA position 1546, A replaced by G.
Protein change: p.Arg516Gly; replaces arginine 516 with glycine.
Molecular consequence: missense variant.
Genome position (GRCh38, 1-based): chr9:83,000,462, T>C on the plus strand (A>G on the coding strand, the complement: RASEF is on the minus strand). VCF-style: chr9-83000462-T-C. GRCh37 (hg19) VCF-style: chr9-85615377-T-C.
Other names: c.1546A>G (NM_152573.2); short protein forms R516G.
Identifiers: ClinVar variation 3033800 (VCV003033800.3), dbSNP rs147216417, ClinGen allele CA5100275.